The following is an entry in ClinVar:

NM_000138.5(FBN1):c.4489T>C (p.Cys1497Arg)

Gene: FBN1 (fibrillin 1; minus strand). Cytogenetic location: 15q21.1.
Variant type: single nucleotide variant.
Coding change: c.4489T>C on transcript NM_000138.5 (MANE Select); coding-DNA position 4489, T replaced by C.
Protein change: p.Cys1497Arg; replaces cysteine 1497 with arginine.
Molecular consequence: missense variant.
Genome position (GRCh38, 1-based): chr15:48,468,505, A>G on the plus strand (T>C on the coding strand, the complement: FBN1 is on the minus strand). VCF-style: chr15-48468505-A-G. GRCh37 (hg19) VCF-style: chr15-48760702-A-G.
Other names: short protein forms C1497R.
Identifiers: ClinVar variation 432128 (VCV000432128.2), dbSNP rs1555397213, ClinGen allele CA392353730.

ClinVar aggregate classification (germline): Likely pathogenic (1 of 4 stars; one submission).

Submission:

GeneDx
Classification: Likely pathogenic. Last evaluated: 2018-02-22. Review status: criteria provided, single submitter. Criteria: GeneDx Variant Classification (06012015). Collection method: clinical testing. Allele origin: germline. Affected: yes.
Comment: The C1497R variant in the FBN1 gene has not been reported previously as a pathogenic variant, nor as a benign variant, to our knowledge. The C1497R variant was not observed in approximately 6500 individuals of European and African American ancestry in the NHLBI Exome Sequencing Project, indicating it is not a common benign variant in these populations. The C1497R variant is a non-conservative amino acid substitution, which is conserved across species. However, in silico analysis is inconsistent in its predictions as to whether or not the variant is damaging to the protein structure/function. The C1497R variant occurs in the EGF-like calcium binding domain where Cys1497 forms a disulfide bond with 1511 to provide structural integrity to the binding domain (Lee et al., 2004). Missense variants in the same residue (C1497G, C1497S, C1497Y) and nearby residues (S1499C, C1502S, C1502Y) have been reported in the Human Gene Mutation Database in association with Marfan syndrome (Stenson et al., 2014), supporting the functional importance of this region of the protein. The C1497R variant is a strong candidate for a pathogenic variant, however the possibility it may be a rare benign variant cannot be excluded.